The following is an entry in ClinVar:

NM_000145.4(FSHR):c.1384G>C (p.Ala462Pro)

Gene: FSHR (follicle stimulating hormone receptor; minus strand). Cytogenetic location: 2p16.3.
Variant type: single nucleotide variant.
Coding change: c.1384G>C on transcript NM_000145.4 (MANE Select); coding-DNA position 1384, G replaced by C.
Protein change: p.Ala462Pro; replaces alanine 462 with proline.
Molecular consequence: missense variant.
Genome position (GRCh38, 1-based): chr2:48,963,437, C>G on the plus strand (G>C on the coding strand, the complement: FSHR is on the minus strand). VCF-style: chr2-48963437-C-G. GRCh37 (hg19) VCF-style: chr2-49190576-C-G.
Other names: c.1306G>C, p.Ala436Pro (NM_181446.3); short protein forms A436P, A462P.
Identifiers: ClinVar variation 996017 (VCV000996017.3), dbSNP rs1674323340, ClinGen allele CA346767758.

ClinVar aggregate classification (germline): Likely pathogenic (1 of 4 stars; one submission).

Conditions:
Ovarian dysgenesis 1 (ODG1). Also called: OVARIAN DYSGENESIS, HYPERGONADOTROPIC, AUTOSOMAL RECESSIVE; OVARIAN DYSGENESIS, HYPERGONADOTROPIC, WITH NORMAL KARYOTYPE; OVARIAN FAILURE, HYPERGONADOTROPIC; Gonadal dysgenesis XX type deafness; GONADAL DYSGENESIS, XX TYPE. Identifiers: Orphanet 243, MedGen C0949595, MONDO:0024463, OMIM 233300.

Submission:

Department of Reproductive Endocrinology, Zhejiang Provincial People's Hospital
Classification: Likely pathogenic for Ovarian dysgenesis 1. Last evaluated: 2020-10-01. Review status: criteria provided, single submitter. Criteria: ACMG Guidelines, 2015. Collection method: clinical testing, in vitro. Allele origin: paternal, maternal, not applicable. Inheritance: Autosomal recessive inheritance. Affected: yes. Observed: 2 compound heterozygotes. Clinical features observed: Premature ovarian insufficiency (HP:0008209), Hypergonadotropic hypogonadism (HP:0000815). Functional consequence: variation affecting protein function, effect on protein recognition. Segregation with disease not observed.
Comment: FSHR is highly expressed in Granulosa cells and is tightly associated with regulation of follicle development in response to FSH stimulation. Structurally alterations in FSHR may lead to inactivaion of the receptor and cause primary ovarian insufficiency (POI).

Literature cited by the submitters: PubMed 7553856; PubMed 9769327; PubMed 30691934; PubMed 31830376; PubMed 29157895.